The following is an entry in ClinVar:

NM_000540.3(RYR1):c.6192G>C (p.Met2064Ile)

Gene: RYR1 (ryanodine receptor 1; plus strand). Cytogenetic location: 19q13.2.
Variant type: single nucleotide variant.
Coding change: c.6192G>C on transcript NM_000540.3 (MANE Select); coding-DNA position 6192, G replaced by C.
Protein change: p.Met2064Ile; replaces methionine 2064 with isoleucine.
Molecular consequence: missense variant.
Genome position (GRCh38, 1-based): chr19:38,492,554, G>C. VCF-style: chr19-38492554-G-C. GRCh37 (hg19) VCF-style: chr19-38983194-G-C.
Other names: c.6192G>C, p.Met2064Ile (NM_001042723.2); short protein forms M2064I.
Identifiers: ClinVar variation 2156783 (VCV002156783.5), dbSNP rs372066850, ClinGen allele CA067879.

ClinVar aggregate classification (germline): Uncertain significance. Review status: criteria provided, multiple submitters, no conflicts (2 of 4 stars). 3 submissions from 3 submitters: Uncertain significance (3). Last evaluated 2024-12-04.

Conditions:
RYR1-related disorder. Also called: RYR1-related condition; RYR1-related disorders. Identifiers: MedGen CN239331.

Allele frequency attached by ClinVar (database versions not stated): ExAC 0.00001; gnomAD 0.00004; ESP Exome Variant Server 0.00008.
gnomAD v4.1: 8 of 1,613,978 alleles (0.0005%); highest among the groups gnomAD compares: African/African-American, 0.011%; no homozygotes.

Submissions (3):

Women's Health and Genetics/Laboratory Corporation of America, LabCorp
Classification: Uncertain significance. Last evaluated: 2024-12-04. Review status: criteria provided, single submitter. Criteria: LabCorp Variant Classification Summary - May 2015. Collection method: clinical testing. Allele origin: germline.
Comment: Variant summary: RYR1 c.6192G>C (p.Met2064Ile) results in a conservative amino acid change located in the Ryanodine receptor junctional solenoid repeat (IPR000699) of the encoded protein sequence. Five of five in-silico tools predict a benign effect of the variant on protein function. The variant allele was found at a frequency of 8e-06 in 251328 control chromosomes. The available data on variant occurrences in the general population are insufficient to allow any conclusion about variant significance. To our knowledge, no occurrence of c.6192G>C in individuals affected with Myopathy, RYR1-Associated and no experimental evidence demonstrating its impact on protein function have been reported. ClinVar contains an entry for this variant (Variation ID: 2156783). Based on the evidence outlined above, the variant was classified as uncertain significance.

Labcorp Genetics (formerly Invitae), Labcorp
Classification: Uncertain significance for RYR1-related disorder. Last evaluated: 2022-10-08. Review status: criteria provided, single submitter. Criteria: Invitae Variant Classification Sherloc (09022015). Collection method: clinical testing. Allele origin: germline.
Comment: This sequence change replaces methionine, which is neutral and non-polar, with isoleucine, which is neutral and non-polar, at codon 2064 of the RYR1 protein (p.Met2064Ile). This variant is present in population databases (rs372066850, gnomAD 0.01%). This variant has not been reported in the literature in individuals affected with RYR1-related conditions. Advanced modeling of protein sequence and biophysical properties (such as structural, functional, and spatial information, amino acid conservation, physicochemical variation, residue mobility, and thermodynamic stability) performed at Invitae indicates that this missense variant is not expected to disrupt RYR1 protein function. In summary, the available evidence is currently insufficient to determine the role of this variant in disease. Therefore, it has been classified as a Variant of Uncertain Significance.

Revvity Omics, Revvity
Classification: Uncertain significance. Last evaluated: 2019-07-08. Review status: criteria provided, single submitter. Criteria: ACMG Guidelines, 2015. Collection method: clinical testing. Allele origin: germline.